The following is an entry in ClinVar:

ClinVar aggregate classification (germline): Uncertain significance (1 of 4 stars; one submission).

Submission:

Labcorp Genetics (formerly Invitae), Labcorp
Classification: Uncertain significance. Last evaluated: 2023-05-22. Review status: criteria provided, single submitter. Criteria: Invitae Variant Classification Sherloc (09022015). Collection method: clinical testing. Allele origin: germline.
Comment: In summary, the available evidence is currently insufficient to determine the role of this variant in disease. Therefore, it has been classified as a Variant of Uncertain Significance. Experimental studies and prediction algorithms are not available or were not evaluated, and the effect of this variant on mRNA splicing is currently unknown. This variant has not been reported in the literature in individuals affected with SLC1A2-related conditions. Information on the frequency of this variant in the gnomAD database is not available, as this variant may be reported differently in the database. This sequence change falls in intron 5 of the SLC1A2 gene. It does not directly change the encoded amino acid sequence of the SLC1A2 protein.

NM_004171.4(SLC1A2):c.731-9_731-8delinsGC

Gene: SLC1A2 (solute carrier family 1 member 2; minus strand). Cytogenetic location: 11p13.
Variant type: Indel.
Coding change: c.731-9_731-8delinsGC on transcript NM_004171.4 (MANE Select); 9 bases into the intron before coding-DNA position 731 through 8 bases into the intron before coding-DNA position 731, AT replaced by GC.
Molecular consequence: intron variant.
Genome position (GRCh38, 1-based): chr11:35,301,653-35,301,654, AT replaced by GC on the plus strand (AT replaced by GC on the coding strand, the reverse complement: SLC1A2 is on the minus strand). VCF-style: chr11-35301653-AT-GC. GRCh37 (hg19) VCF-style: chr11-35323200-AT-GC.
Other names: c.704-9_704-8delinsGC (NM_001195728.3, NM_001252652.2).
Identifiers: ClinVar variation 2784391 (VCV002784391.3), dbSNP rs2497830958, ClinGen allele CA2739270387.